The following is an entry in ClinVar:

NM_183381.3(RNF13):c.114+5G>T

Gene: RNF13 (ring finger protein 13; plus strand). Cytogenetic location: 3q25.1.
Variant type: single nucleotide variant.
Coding change: c.114+5G>T on transcript NM_183381.3 (MANE Select); 5 bases into the intron after coding-DNA position 114, G replaced by T.
Molecular consequence: intron variant.
Genome position (GRCh38, 1-based): chr3:149,846,145, G>T. VCF-style: chr3-149846145-G-T. GRCh37 (hg19) VCF-style: chr3-149563932-G-T.
Other names: c.-279-6371G>T (NM_001378291.1); c.114+5G>T (NM_007282.4, NM_001378286.1, NM_001378285.1); c.-253-6371G>T (NM_183383.2); c.-254+5G>T (NM_001378288.1, NM_001378289.1, NM_001378287.1 and 1 more transcripts).
Identifiers: ClinVar variation 2705077 (VCV002705077.3), dbSNP rs2473178831, ClinGen allele CA2668164966.

ClinVar aggregate classification (germline): Uncertain significance (1 of 4 stars; one submission).

Allele frequency attached by ClinVar (database versions not stated): gnomAD exomes below 0.00001.
gnomAD v4.1: 1 of 1,562,296 alleles (0.000064%); highest among the groups gnomAD compares: Non-Finnish European, 0.000088%; no homozygotes.

Submission:

Labcorp Genetics (formerly Invitae), Labcorp
Classification: Uncertain significance. Last evaluated: 2023-12-23. Review status: criteria provided, single submitter. Criteria: Invitae Variant Classification Sherloc (09022015). Collection method: clinical testing. Allele origin: germline.
Comment: This sequence change falls in intron 3 of the RNF13 gene. It does not directly change the encoded amino acid sequence of the RNF13 protein. It affects a nucleotide within the consensus splice site. This variant is not present in population databases (gnomAD no frequency). This variant has been observed in individual(s) with clinical features of developmental and epileptic encephalopathy (Invitae). Variants that disrupt the consensus splice site are a relatively common cause of aberrant splicing (PMID: 17576681, 9536098). Algorithms developed to predict the effect of sequence changes on RNA splicing suggest that this variant may disrupt the consensus splice site. In summary, the available evidence is currently insufficient to determine the role of this variant in disease. Therefore, it has been classified as a Variant of Uncertain Significance.

Literature cited by the submitters: PubMed 17576681; PubMed 9536098.